The following is an entry in ClinVar:

ClinVar aggregate classification (germline): Uncertain significance. Review status: criteria provided, multiple submitters, no conflicts (2 of 4 stars). 3 submissions from 3 submitters: Uncertain significance (3). Last evaluated 2025-05-14.

Conditions:
TTN-related disorder. Also called: TTN-related condition; TTN-related disease; TTN-related disorders.

Allele frequency attached by ClinVar (database versions not stated): gnomAD 0.00001 and 0.00003; TOPMed 0.00002; gnomAD exomes 0.00004 and 0.00006; ExAC 0.00009; 1000 Genomes Project 30x 0.00031; 1000 Genomes Project 0.00040.
gnomAD v4.1: 64 of 1,613,624 alleles (0.004%); highest among the groups gnomAD compares: South Asian, 0.037%; 1 homozygote.

Submissions (3):

PreventionGenetics, part of Exact Sciences
Classification: Uncertain significance for TTN-related condition. Last evaluated: 2025-05-14. Review status: criteria provided, single submitter. Criteria: ACMG Guidelines, 2015. Collection method: clinical testing. Allele origin: germline.
Comment: The TTN c.97348G>A variant is predicted to result in the amino acid substitution p.Val32450Ile. To our knowledge, this variant has not been reported in the literature. This variant is reported in 0.033% of alleles in individuals of South Asian descent in gnomAD. At this time, the clinical significance of this variant is uncertain due to the absence of conclusive functional and genetic evidence.

Revvity Omics, Revvity
Classification: Uncertain significance. Last evaluated: 2020-06-01. Review status: criteria provided, single submitter. Criteria: ACMG Guidelines, 2015. Collection method: clinical testing. Allele origin: germline.

Laboratory for Molecular Medicine, Mass General Brigham Personalized Medicine
Classification: Uncertain significance. Last evaluated: 2012-08-02. Review status: criteria provided, single submitter. Criteria: LMM Criteria. Collection method: clinical testing. Allele origin: germline. Observed: 1 variant allele.
Comment: The Val29882Ile variant in TTN has not been reported in the literature nor previ ously identified by our laboratory. Computational analyses (biochemical amino ac id properties, conservation, AlignGVGD, PolyPhen2, and SIFT) do not provide stro ng support for or against an impact to the protein. Additional information is ne eded to fully assess the clinical significance of this variant.

NM_001267550.2(TTN):c.97348G>A (p.Val32450Ile)

Genes: TTN (titin; minus strand), TTN-AS1 (TTN antisense RNA 1; plus strand). Cytogenetic location: 2q31.2.
Variant type: single nucleotide variant.
Coding change: c.97348G>A on transcript NM_001267550.2 (MANE Select); coding-DNA position 97348, G replaced by A.
Protein change: p.Val32450Ile; replaces valine 32450 with isoleucine.
Molecular consequence: missense variant.
Genome position (GRCh38, 1-based): chr2:178,542,408, C>T on the plus strand (G>A on the coding strand, the complement: TTN is on the minus strand). VCF-style: chr2-178542408-C-T. GRCh37 (hg19) VCF-style: chr2-179407135-C-T.
Other names: c.89644G>A, p.Val29882Ile (NM_133378.4); c.92425G>A, p.Val30809Ile (NM_001256850.1); c.70153G>A, p.Val23385Ile (NM_003319.4); c.70528G>A, p.Val23510Ile (NM_133432.3); c.70729G>A, p.Val23577Ile (NM_133437.4); short protein forms V32450I, V29882I, V23510I, V23577I, V23385I, V30809I.
Identifiers: ClinVar variation 47584 (VCV000047584.9), dbSNP rs397517769, ClinGen allele CA141430.